The following is an entry in ClinVar:

NM_024685.4(BBS10):c.383T>C (p.Phe128Ser)

Gene: BBS10 (Bardet-Biedl syndrome 10; minus strand). Cytogenetic location: 12q21.2.
Variant type: single nucleotide variant.
Coding change: c.383T>C on transcript NM_024685.4 (MANE Select); coding-DNA position 383, T replaced by C.
Protein change: p.Phe128Ser; replaces phenylalanine 128 with serine.
Molecular consequence: missense variant.
Genome position (GRCh38, 1-based): chr12:76,347,602, A>G on the plus strand (T>C on the coding strand, the complement: BBS10 is on the minus strand). VCF-style: chr12-76347602-A-G. GRCh37 (hg19) VCF-style: chr12-76741382-A-G.
Other names: c.383T>C, p.Phe128Ser (LRG_1255t1); short protein forms F128S.
Identifiers: ClinVar variation 655950 (VCV000655950.10), dbSNP rs1592492746, ClinGen allele CA385815394.

ClinVar aggregate classification (germline): Uncertain significance (1 of 4 stars; one submission).

Conditions:
Bardet-Biedl syndrome (BBS). Identifiers: Orphanet 110, MedGen C0752166, MONDO:0015229.

Submission:

Labcorp Genetics (formerly Invitae), Labcorp
Classification: Uncertain significance for Bardet-Biedl syndrome. Last evaluated: 2022-09-06. Review status: criteria provided, single submitter. Criteria: Invitae Variant Classification Sherloc (09022015). Collection method: clinical testing. Allele origin: germline.
Comment: Algorithms developed to predict the effect of missense changes on protein structure and function output the following: SIFT: "Tolerated"; PolyPhen-2: "Benign"; Align-GVGD: "Class C0". The serine amino acid residue is found in multiple mammalian species, which suggests that this missense change does not adversely affect protein function. In summary, the available evidence is currently insufficient to determine the role of this variant in disease. Therefore, it has been classified as a Variant of Uncertain Significance. This sequence change replaces phenylalanine, which is neutral and non-polar, with serine, which is neutral and polar, at codon 128 of the BBS10 protein (p.Phe128Ser). This variant is not present in population databases (gnomAD no frequency). ClinVar contains an entry for this variant (Variation ID: 655950). This variant has not been reported in the literature in individuals affected with BBS10-related conditions.